The following is an entry in ClinVar:

ClinVar aggregate classification (germline): Uncertain significance (1 of 4 stars; one submission).

Submission:

Labcorp Genetics (formerly Invitae), Labcorp
Classification: Uncertain significance. Last evaluated: 2025-05-06. Review status: criteria provided, single submitter. Criteria: Invitae Variant Classification Sherloc (09022015). Collection method: clinical testing. Allele origin: germline.
Comment: This sequence change replaces leucine, which is neutral and non-polar, with methionine, which is neutral and non-polar, at codon 75 of the KLF1 protein (p.Leu75Met). This variant is not present in population databases (gnomAD no frequency). This variant has not been reported in the literature in individuals affected with KLF1-related conditions. Invitae Evidence Modeling of protein sequence and biophysical properties (such as structural, functional, and spatial information, amino acid conservation, physicochemical variation, residue mobility, and thermodynamic stability) indicates that this missense variant is not expected to disrupt KLF1 protein function with a negative predictive value of 80%. In summary, the available evidence is currently insufficient to determine the role of this variant in disease. Therefore, it has been classified as a Variant of Uncertain Significance.

NM_006563.5(KLF1):c.223C>A (p.Leu75Met)

Gene: KLF1 (KLF transcription factor 1; minus strand). Cytogenetic location: 19p13.13.
Variant type: single nucleotide variant.
Coding change: c.223C>A on transcript NM_006563.5 (MANE Select); coding-DNA position 223, C replaced by A.
Protein change: p.Leu75Met; replaces leucine 75 with methionine.
Molecular consequence: missense variant.
Genome position (GRCh38, 1-based): chr19:12,886,007, G>T on the plus strand (C>A on the coding strand, the complement: KLF1 is on the minus strand). VCF-style: chr19-12886007-G-T. GRCh37 (hg19) VCF-style: chr19-12996821-G-T.
Other names: short protein forms L75M.
Identifiers: ClinVar variation 4742289 (VCV004742289.1).
Genomic context (GRCh38, chr19:12,886,007, plus strand): 5'-CGCAGGTCTGGGGCGCGCCACCGGGCTCCGGGCCCGAGAAGTTGGTGAGGAGGAGATCCA[G>T]GTCCCAGGTGGCGTCCGCGCCCCTCTCATCGTCCTCTTCCTCCCCGGGCTGGTCCTCAGA-3'
Protein context (NP_006554.1, residues 65-85): DERGADATWD[Leu75Met]DLLLTNFSGP